The following is an entry in ClinVar:

ClinVar aggregate classification (germline): Uncertain significance. Review status: criteria provided, multiple submitters, no conflicts (2 of 4 stars). 2 submissions from 2 submitters: Uncertain significance (2). Last evaluated 2025-08-03.

Allele frequency attached by ClinVar (database versions not stated): TOPMed 0.00002; 1000 Genomes Project 0.00040; 1000 Genomes Project 30x 0.00047; gnomAD 0.00002; ExAC 0.00005; gnomAD exomes 0.00001.
gnomAD v4.1: 17 of 1,614,088 alleles (0.0011%); highest among the groups gnomAD compares: East Asian, 0.038%; no homozygotes.

Submissions (2):

Labcorp Genetics (formerly Invitae), Labcorp
Classification: Uncertain significance. Last evaluated: 2025-08-03. Review status: criteria provided, single submitter. Criteria: Invitae Variant Classification Sherloc (09022015). Collection method: clinical testing. Allele origin: germline.
Comment: This sequence change replaces glycine, which is neutral and non-polar, with alanine, which is neutral and non-polar, at codon 28 of the ARHGEF10 protein (p.Gly28Ala). This variant is present in population databases (rs547614439, gnomAD 0.07%), and has an allele count higher than expected for a pathogenic variant. This variant has not been reported in the literature in individuals affected with ARHGEF10-related conditions. ClinVar contains an entry for this variant (Variation ID: 2989591). An algorithm developed to predict the effect of missense changes on protein structure and function (PolyPhen-2) suggests that this variant is likely to be disruptive. In summary, the available evidence is currently insufficient to determine the role of this variant in disease. Therefore, it has been classified as a Variant of Uncertain Significance.

Ambry Genetics
Classification: Uncertain significance. Last evaluated: 2025-03-25. Review status: criteria provided, single submitter. Criteria: Ambry Variant Classification Scheme 2023. Collection method: clinical testing. Allele origin: germline.

NM_014629.4(ARHGEF10):c.83G>C (p.Gly28Ala)

Gene: ARHGEF10 (Rho guanine nucleotide exchange factor 10; plus strand). Cytogenetic location: 8p23.3.
Variant type: single nucleotide variant.
Coding change: c.83G>C on transcript NM_014629.4 (MANE Select); coding-DNA position 83, G replaced by C.
Protein change: p.Gly28Ala; replaces glycine 28 with alanine.
Molecular consequence: missense variant.
Genome position (GRCh38, 1-based): chr8:1,858,005, G>C. VCF-style: chr8-1858005-G-C. GRCh37 (hg19) VCF-style: chr8-1806171-G-C.
Other names: c.83G>C, p.Gly28Ala (NM_001308152.2, NM_001308153.3); short protein forms G52A, G28A.
Identifiers: ClinVar variation 2989591 (VCV002989591.4), dbSNP rs547614439, ClinGen allele CA4599578.
Genomic context (GRCh38, chr8:1,858,005, plus strand): 5'-GGTTTTTCTTTTTAGAAAATGAAATGAAATATGATACCAATAATAATGAAGAGGAAGAGG[G>C]AGAACAGTTCGATTTTGACAGTGGAGATGAAATCCCAGAAGCGGACAGACAGGCCCCATC-3'
Protein context (NP_055444.2, residues 18-38): YDTNNNEEEE[Gly28Ala]EQFDFDSGDE